The following is an entry in ClinVar:

ClinVar aggregate classification (germline): Uncertain significance. Review status: criteria provided, multiple submitters, no conflicts (2 of 4 stars). 7 submissions from 7 submitters: Uncertain significance (7). Last evaluated 2025-11-01.

Conditions:
Retinal dystrophy. Also called: Inherited retinal dystrophy. Identifiers: Orphanet 71862, MedGen C0854723, MeSH D058499, MONDO:0019118, HP:0000556.
Autosomal recessive nonsyndromic hearing loss 36. Also called: Deafness, autosomal recessive 36; DEAFNESS, AUTOSOMAL RECESSIVE 36, WITH VESTIBULAR INVOLVEMENT. Identifiers: Orphanet 90636, MedGen C1837007, MONDO:0012170, OMIM 609006.

Allele frequency attached by ClinVar (database versions not stated): gnomAD 0.00012; gnomAD exomes 0.00012; ESP Exome Variant Server 0.00015; 1000 Genomes Project 30x 0.00016; TOPMed 0.00017; ExAC 0.00019; 1000 Genomes Project 0.00020.
gnomAD v4.1: 348 of 1,610,368 alleles (0.022%); highest among the groups gnomAD compares: Middle Eastern, 0.036%; no homozygotes.

Submissions (7):

CeGaT Center for Human Genetics Tuebingen
Classification: Uncertain significance. Last evaluated: 2025-11-01. Review status: criteria provided, single submitter. Criteria: CeGaT Center For Human Genetics Tuebingen Variant Classification Criteria Version 2. Collection method: clinical testing. Allele origin: germline. Affected: yes. Observed: 1 variant allele.
Comment: ESPN: PM2

GeneDx
Classification: Uncertain significance. Last evaluated: 2025-01-07. Review status: criteria provided, single submitter. Criteria: GeneDx Variant Classification Process June 2021. Collection method: clinical testing. Allele origin: germline. Affected: yes.
Comment: Identified in a patient with sensorineural hearing loss in published literature, however, a second ESPN variant was not identified (PMID: 30622556); In silico analysis supports that this missense variant has a deleterious effect on protein structure/function; This variant is associated with the following publications: (PMID: 17667943, 30622556)

Blueprint Genetics
Classification: Uncertain significance. Last evaluated: 2024-10-16. Review status: criteria provided, single submitter. Criteria: ACMG Guidelines, 2015. Collection method: clinical testing. Allele origin: germline.

Labcorp Genetics (formerly Invitae), Labcorp
Classification: Uncertain significance. Last evaluated: 2023-09-25. Review status: criteria provided, single submitter. Criteria: Invitae Variant Classification Sherloc (09022015). Collection method: clinical testing. Allele origin: germline.
Comment: In summary, the available evidence is currently insufficient to determine the role of this variant in disease. Therefore, it has been classified as a Variant of Uncertain Significance. An algorithm developed to predict the effect of missense changes on protein structure and function (PolyPhen-2) suggests that this variant is likely to be tolerated. ClinVar contains an entry for this variant (Variation ID: 449818). This missense change has been observed in individual(s) with deafness (PMID: 30622556). This variant is present in population databases (rs189442618, gnomAD 0.02%). This sequence change replaces serine, which is neutral and polar, with leucine, which is neutral and non-polar, at codon 312 of the ESPN protein (p.Ser312Leu).

Institute of Human Genetics, Univ. Regensburg, Univ. Regensburg
Classification: Uncertain significance for Retinal dystrophy. Last evaluated: 2022-01-01. Review status: criteria provided, single submitter. Criteria: ACMG Guidelines, 2015. Collection method: clinical testing. Allele origin: germline. Affected: yes.

ARUP Laboratories, Molecular Genetics and Genomics, ARUP Laboratories
Classification: Uncertain significance for Autosomal recessive nonsyndromic hearing loss 36. Last evaluated: 2018-12-19. Review status: criteria provided, single submitter. Criteria: ARUP Molecular Germline Variant Investigation Process. Collection method: clinical testing. Allele origin: germline.
Comment: The ESPN c.935C>T; p.Ser312Leu variant (rs189442618), to our knowledge, is not reported in the medical literature but is reported in ClinVar (Variation ID: 449818). This variant is found in the non-Finnish European population with an overall allele frequency of 0.02% (27/121080 alleles) in the Genome Aggregation Database. The serine at codon 312 is weakly conserved, but computational analyses (SIFT: damaging, PolyPhen-2: benign) predict conflicting effects of this variant on protein structure/function. However, given the lack of clinical and functional data, the significance of the p.Ser312Leu variant is uncertain at this time.

Fulgent Genetics
Classification: Uncertain significance for Autosomal recessive nonsyndromic hearing loss 36. Last evaluated: 2018-10-31. Review status: criteria provided, single submitter. Criteria: ACMG Guidelines, 2015. Collection method: clinical testing. Allele origin: unknown.

Literature cited by the submitters: PubMed 30622556 (cited by Labcorp Genetics (formerly Invitae), Labcorp and Institute of Human Genetics, Univ. Regensburg, Univ. Regensburg).

NM_031475.3(ESPN):c.935C>T (p.Ser312Leu)

Gene: ESPN (espin; plus strand). Cytogenetic location: 1p36.31.
Variant type: single nucleotide variant.
Coding change: c.935C>T on transcript NM_031475.3 (MANE Select); coding-DNA position 935, C replaced by T.
Protein change: p.Ser312Leu; replaces serine 312 with leucine.
Molecular consequence: missense variant.
Genome position (GRCh38, 1-based): chr1:6,441,010, C>T. VCF-style: chr1-6441010-C-T. GRCh37 (hg19) VCF-style: chr1-6501070-C-T.
Other names: c.935C>T, p.Ser312Leu (NM_001367473.1, NM_001367474.1); short protein forms S312L.
Identifiers: ClinVar variation 449818 (VCV000449818.25), dbSNP rs189442618, ClinGen allele CA560043.